The following is an entry in ClinVar:

ClinVar aggregate classification (germline): Benign/Likely benign. Review status: criteria provided, multiple submitters, no conflicts (2 of 4 stars). 12 submissions from 12 submitters: Benign (1); Likely benign (11). Last evaluated 2026-01-26.

Conditions:
Hereditary nonpolyposis colorectal neoplasms. Identifiers: MedGen C0009405, MeSH D003123.
Hereditary cancer-predisposing syndrome. Also called: Neoplastic Syndromes, Hereditary; Hereditary Cancer Syndrome; Tumor predisposition; Hereditary neoplastic syndrome. Identifiers: Orphanet 140162, MedGen C0027672, MeSH D009386, MONDO:0015356.
Lynch syndrome. Identifiers: Orphanet 144, MedGen C4552100, MONDO:0005835. Disease mechanism: loss of function.
Lynch syndrome 5 (LYNCH5). Also called: Colorectal cancer, hereditary nonpolyposis, type 5; Hereditary non-polyposis colorectal cancer, type 5. Identifiers: Orphanet 144, MedGen C1833477, MONDO:0013710, OMIM 614350. Disease mechanism: loss of function.

Allele frequency attached by ClinVar (database versions not stated): gnomAD 0.00001; ExAC 0.00002; gnomAD exomes 0.00002; TOPMed 0.00003.
gnomAD v4.1: 23 of 1,614,008 alleles (0.0014%); highest among the groups gnomAD compares: East Asian, 0.0089%; no homozygotes.

Submissions (12):

Labcorp Genetics (formerly Invitae), Labcorp
Classification: Likely benign for Hereditary nonpolyposis colorectal neoplasms. Last evaluated: 2026-01-26. Review status: criteria provided, single submitter. Criteria: Invitae Variant Classification Sherloc (09022015). Collection method: clinical testing. Allele origin: germline.

CeGaT Center for Human Genetics Tuebingen
Classification: Likely benign. Last evaluated: 2025-04-01. Review status: criteria provided, single submitter. Criteria: CeGaT Center For Human Genetics Tuebingen Variant Classification Criteria Version 2. Collection method: clinical testing. Allele origin: germline. Affected: yes. Observed: 1 variant allele.
Comment: MSH6: BP4, BP7

Myriad Genetics, Inc.
Classification: Benign for Lynch syndrome 5. Last evaluated: 2025-01-02. Review status: criteria provided, single submitter. Criteria: Myriad Autosomal Dominant, Autosomal Recessive and X-Linked Classification Criteria (2023). Collection method: clinical testing. Allele origin: unknown.
Comment: This variant is considered benign. This variant is a silent/synonymous amino acid change and it is not expected to impact splicing.

All of Us Research Program, National Institutes of Health
Classification: Likely benign for Lynch syndrome. Last evaluated: 2024-07-29. Review status: criteria provided, single submitter. Criteria: ACMG Guidelines, 2015. Collection method: clinical testing. Allele origin: germline. Inheritance: Autosomal dominant inheritance. Observed: 8 variant alleles, 8 heterozygotes.
Comment: This study involves interpretation of variants in research participants for the purpose of population health screening. Participant phenotype was not available at the time of variant classification. Additional details can be found in publication PMID: 35346344, PMCID: PMC8962531

Department of Pathology and Laboratory Medicine, Sinai Health System
Classification: Likely benign for Lynch syndrome. Last evaluated: 2024-01-10. Review status: criteria provided, single submitter. Criteria: ACMG Guidelines, 2015. Collection method: clinical testing. Allele origin: germline. Affected: yes.

Blueprint Genetics
Classification: Likely benign. Last evaluated: 2023-10-27. Review status: criteria provided, single submitter. Criteria: ACMG Guidelines, 2015. Collection method: clinical testing. Allele origin: germline.

Women's Health and Genetics/Laboratory Corporation of America, LabCorp
Classification: Likely benign. Last evaluated: 2022-04-11. Review status: criteria provided, single submitter. Criteria: LabCorp Variant Classification Summary - May 2015. Collection method: clinical testing. Allele origin: germline.

Sema4
Classification: Likely benign for Hereditary cancer-predisposing syndrome. Last evaluated: 2022-02-07. Review status: criteria provided, single submitter. Criteria: Sema4 Curation Guidelines. Collection method: curation. Allele origin: germline.

Quest Diagnostics Nichols Institute San Juan Capistrano
Classification: Likely benign. Last evaluated: 2018-03-02. Review status: criteria provided, single submitter. Criteria: Quest Diagnostics criteria. Collection method: clinical testing. Allele origin: germline.

Color Diagnostics, LLC DBA Color Health
Classification: Likely benign for Hereditary cancer-predisposing syndrome. Last evaluated: 2016-06-05. Review status: criteria provided, single submitter. Criteria: ACMG Guidelines, 2015. Collection method: clinical testing. Allele origin: germline.

GeneDx
Classification: Likely benign. Last evaluated: 2016-04-28. Review status: criteria provided, single submitter. Criteria: GeneDx Variant Classification (06012015). Collection method: clinical testing. Allele origin: germline. Affected: yes.
Comment: This variant is considered likely benign or benign based on one or more of the following criteria: it is a conservative change, it occurs at a poorly conserved position in the protein, it is predicted to be benign by multiple in silico algorithms, and/or has population frequency not consistent with disease.

Ambry Genetics
Classification: Likely benign for Hereditary cancer-predisposing syndrome. Last evaluated: 2015-04-16. Review status: criteria provided, single submitter. Criteria: Ambry Variant Classification Scheme 2023. Collection method: clinical testing. Allele origin: germline.

Literature cited by the submitters: PubMed 19924528 (cited by Ambry Genetics).

NM_000179.3(MSH6):c.2775A>G (p.Gly925=)

Gene: MSH6 (mutS homolog 6; plus strand). Cytogenetic location: 2p16.3.
Variant type: single nucleotide variant.
Coding change: c.2775A>G on transcript NM_000179.3 (MANE Select); coding-DNA position 2775, A replaced by G.
Protein change: p.Gly925=; no amino-acid change (glycine 925 retained).
Molecular consequence: synonymous variant.
Genome position (GRCh38, 1-based): chr2:47,800,758, A>G. VCF-style: chr2-47800758-A-G. GRCh37 (hg19) VCF-style: chr2-48027897-A-G.
Other names: c.2385A>G, p.Gly795= (NM_001281492.2); c.1869A>G, p.Gly623= (NM_001281493.2, NM_001281494.2).
Identifiers: ClinVar variation 231386 (VCV000231386.33), dbSNP rs587779248, ClinGen allele CA069610.